The following is an entry in ClinVar:

NM_001698.3(AUH):c.769G>A (p.Val257Ile)

Gene: AUH (AU RNA binding methylglutaconyl-CoA hydratase; minus strand). Cytogenetic location: 9q22.31.
Variant type: single nucleotide variant.
Coding change: c.769G>A on transcript NM_001698.3 (MANE Select); coding-DNA position 769, G replaced by A.
Protein change: p.Val257Ile; replaces valine 257 with isoleucine.
Molecular consequence: missense variant.
Genome position (GRCh38, 1-based): chr9:91,220,879, C>T on the plus strand (G>A on the coding strand, the complement: AUH is on the minus strand). VCF-style: chr9-91220879-C-T. GRCh37 (hg19) VCF-style: chr9-93983161-C-T.
Other names: c.769G>A (NM_001698.2); c.682G>A, p.Val228Ile (NM_001306190.2); c.442G>A, p.Val148Ile (NM_001351431.2, NM_001351432.2, NM_001351433.2); short protein forms V228I, V148I, V257I.
Identifiers: ClinVar variation 1410326 (VCV001410326.7), dbSNP rs749920943, ClinGen allele CA5119739.

ClinVar aggregate classification (germline): Uncertain significance. Review status: criteria provided, multiple submitters, no conflicts (2 of 4 stars). 2 submissions from 2 submitters: Uncertain significance (2). Last evaluated 2025-05-21.

Conditions:
3-methylglutaconic aciduria type 1 (MGCA1). Identifiers: Orphanet 67046, MedGen C0342727, MONDO:0009610, OMIM 250950.

Allele frequency attached by ClinVar (database versions not stated): gnomAD 0.00001; ExAC 0.00003; gnomAD exomes 0.00001 and 0.00003.

Submissions (2):

GeneDx
Classification: Uncertain significance. Last evaluated: 2025-05-21. Review status: criteria provided, single submitter. Criteria: GeneDx Variant Classification Process June 2021. Collection method: clinical testing. Allele origin: germline. Affected: yes.
Comment: Not observed at significant frequency in large population cohorts (gnomAD); In silico analysis suggests that this missense variant does not alter protein structure/function; Has not been previously published as pathogenic or benign to our knowledge

Labcorp Genetics (formerly Invitae), Labcorp
Classification: Uncertain significance for 3-methylglutaconic aciduria type 1. Last evaluated: 2021-10-14. Review status: criteria provided, single submitter. Criteria: Invitae Variant Classification Sherloc (09022015). Collection method: clinical testing. Allele origin: germline.
Comment: In summary, the available evidence is currently insufficient to determine the role of this variant in disease. Therefore, it has been classified as a Variant of Uncertain Significance. Algorithms developed to predict the effect of missense changes on protein structure and function (SIFT, PolyPhen-2, Align-GVGD) all suggest that this variant is likely to be tolerated. This variant has not been reported in the literature in individuals affected with AUH-related conditions. This variant is present in population databases (rs749920943, ExAC 0.02%). This sequence change replaces valine with isoleucine at codon 257 of the AUH protein (p.Val257Ile). The valine residue is moderately conserved and there is a small physicochemical difference between valine and isoleucine.